The following is an entry in ClinVar:

NM_001330360.2(POLA1):c.3620A>G (p.Gln1207Arg)

Gene: POLA1 (DNA polymerase alpha 1, catalytic subunit; plus strand). Cytogenetic location: Xp22.11.
Variant type: single nucleotide variant.
Coding change: c.3620A>G on transcript NM_001330360.2 (MANE Select); coding-DNA position 3620, A replaced by G.
Protein change: p.Gln1207Arg; replaces glutamine 1207 with arginine.
Molecular consequence: missense variant. On other transcripts: non-coding transcript variant (2).
Genome position (GRCh38, 1-based): chrX:24,826,485, A>G. VCF-style: chrX-24826485-A-G. GRCh37 (hg19) VCF-style: chrX-24844602-A-G.
Other names: c.3545A>G, p.Gln1182Arg (NM_001378303.1); c.3620A>G, p.Gln1207Arg (NM_001440806.1); c.3602A>G, p.Gln1201Arg (NM_016937.4); short protein forms Q1182R, Q1201R, Q1207R.
Identifiers: ClinVar variation 4771481 (VCV004771481.1).

ClinVar aggregate classification (germline): Uncertain significance (1 of 4 stars; one submission).

gnomAD v4.1: 1 of 1,204,320 alleles (0.000083%); highest among the groups gnomAD compares: African/African-American, 0.0018%; no homozygotes.

Submission:

Labcorp Genetics (formerly Invitae), Labcorp
Classification: Uncertain significance. Last evaluated: 2025-03-10. Review status: criteria provided, single submitter. Criteria: Invitae Variant Classification Sherloc (09022015). Collection method: clinical testing. Allele origin: germline.
Comment: This sequence change replaces glutamine, which is neutral and polar, with arginine, which is basic and polar, at codon 1201 of the POLA1 protein (p.Gln1201Arg). This variant is not present in population databases (gnomAD no frequency). This variant has not been reported in the literature in individuals affected with POLA1-related conditions. Invitae Evidence Modeling of protein sequence and biophysical properties (such as structural, functional, and spatial information, amino acid conservation, physicochemical variation, residue mobility, and thermodynamic stability) indicates that this missense variant is not expected to disrupt POLA1 protein function with a negative predictive value of 80%. In summary, the available evidence is currently insufficient to determine the role of this variant in disease. Therefore, it has been classified as a Variant of Uncertain Significance.